The following is an entry in ClinVar:

ClinVar aggregate classification (germline): Pathogenic (1 of 4 stars; one submission).

Conditions:
Familial thoracic aortic aneurysm and aortic dissection (TAAD). Also called: Thoracic aortic aneurysms and dissections. Identifiers: Orphanet 91387, MedGen C4707243, MONDO:0019625.

Submission:

Ambry Genetics
Classification: Pathogenic for Familial thoracic aortic aneurysm and aortic dissection. Last evaluated: 2015-03-02. Review status: criteria provided, single submitter. Criteria: Ambry Variant Classification Scheme 2023. Collection method: clinical testing. Allele origin: germline.
Comment: The c.4135_4141delGACTGCA pathogenic mutation, located in coding exon 33 of the FBN1 gene, results from a deletion of 7 nucleotides between nucleotide positions 4135 and 4141, causing a translational frameshift with a predicted alternate stop codon (p.D1379Rfs*32). Since frameshifts are typically deleterious in nature, this alteration is interpreted as a disease-causing mutation (ACMG Recommendations for Standards for Interpretation and Reporting of Sequence Variations. Revision 2007. Genet Med. 2008;10:294).

NM_000138.5(FBN1):c.4135_4141del (p.Asp1379fs)

Gene: FBN1 (fibrillin 1; minus strand). Cytogenetic location: 15q21.1.
Variant type: Deletion.
Coding change: c.4135_4141del on transcript NM_000138.5 (MANE Select); coding-DNA positions 4135 to 4141, 7 bases deleted (GACTGCA; older notation c.4135_4141delGACTGCA).
Protein change: p.Asp1379fs; shifts the reading frame from aspartic acid 1379.
Molecular consequence: frameshift variant.
Genome position (GRCh38, 1-based): chr15:48,474,324-48,474,330, TGCAGTC deleted on the plus strand (GACTGCA on the coding strand, the reverse complement: FBN1 is on the minus strand); deleting any 7 consecutive bases within chr15:48,474,324-48,474,334 gives the same sequence; the c. name uses the placement nearest the transcript's 3' end. VCF-style (leftmost placement, unchanged base first): chr15-48474323-TTGCAGTC-T. GRCh37 (hg19) VCF-style: chr15-48766520-TTGCAGTC-T.
Other names: c.4135_4141delGACTGCA (NM_000138.4); short protein forms D1379fs.
Identifiers: ClinVar variation 263907 (VCV000263907.5), dbSNP rs886038970, ClinGen allele CA10587826.